The following is an entry in ClinVar:

NM_022552.5(DNMT3A):c.629G>A (p.Trp210Ter)

Gene: DNMT3A (DNA methyltransferase 3 alpha; minus strand). Cytogenetic location: 2p23.3.
Variant type: single nucleotide variant.
Coding change: c.629G>A on transcript NM_022552.5 (MANE Select); coding-DNA position 629, G replaced by A.
Protein change: p.Trp210Ter; replaces tryptophan 210 with a stop codon.
Molecular consequence: nonsense. On other transcripts: non-coding transcript variant (1).
Genome position (GRCh38, 1-based): chr2:25,274,951, C>T on the plus strand (G>A on the coding strand, the complement: DNMT3A is on the minus strand). VCF-style: chr2-25274951-C-T. GRCh37 (hg19) VCF-style: chr2-25497820-C-T.
Other names: c.629G>A, p.Trp210Ter (NM_175629.2); short protein forms W210*.
Identifiers: ClinVar variation 2031023 (VCV002031023.4), dbSNP rs2149365370, ClinGen allele CA346082861.

ClinVar aggregate classification (germline): Pathogenic (1 of 4 stars; one submission).

Conditions:
Tatton-Brown-Rahman overgrowth syndrome. Also called: Tatton-Brown-Rahman syndrome; Tall stature-intellectual disability-facial dysmorphism syndrome. Identifiers: Orphanet 404443, MedGen C4014545, MONDO:0014382, OMIM 615879.

Submission:

Labcorp Genetics (formerly Invitae), Labcorp
Classification: Pathogenic for Tatton-Brown-Rahman overgrowth syndrome. Last evaluated: 2022-09-17. Review status: criteria provided, single submitter. Criteria: Invitae Variant Classification Sherloc (09022015). Collection method: clinical testing. Allele origin: germline.
Comment: For these reasons, this variant has been classified as Pathogenic. This variant has not been reported in the literature in individuals affected with DNMT3A-related conditions. This variant is not present in population databases (gnomAD no frequency). This sequence change creates a premature translational stop signal (p.Trp210*) in the DNMT3A gene. It is expected to result in an absent or disrupted protein product. Loss-of-function variants in DNMT3A are known to be pathogenic (PMID: 24614070).

Literature cited by the submitters: PubMed 24614070.